The following is an entry in ClinVar:

Conditions:
Arteriohepatic dysplasia. Also called: Alagille Syndrome. Identifiers: Orphanet 52, MedGen C0085280, MeSH D016738, MONDO:0007318.

Submission:

Gilbert/Spinner Lab, Children's Hospital of Philadelphia
No classification provided (evidence only). Condition: Alagille syndrome. Review status: no classification provided. Collection method: research. Allele origin: not applicable. Functional consequence: functionally_abnormal.
ClinVar note: "not provided" was previously submitted as the classification for the variant. However, the classification appeared to be based only on an observation of functional data so it was converted to no classification on 2025-07-30.

NM_000214.3(JAG1):c.115A>C (p.Ile39Leu)

Gene: JAG1 (jagged canonical Notch ligand 1; minus strand). Cytogenetic location: 20p12.2.
Variant type: single nucleotide variant.
Coding change: c.115A>C on transcript NM_000214.3 (MANE Select); coding-DNA position 115, A replaced by C.
Protein change: p.Ile39Leu; replaces isoleucine 39 with leucine.
Molecular consequence: missense variant.
Genome position (GRCh38, 1-based): chr20:10,672,973, T>G on the plus strand (A>C on the coding strand, the complement: JAG1 is on the minus strand). VCF-style: chr20-10672973-T-G. GRCh37 (hg19) VCF-style: chr20-10653621-T-G.
Other names: short protein forms I39L.
Identifiers: ClinVar variation 3573236 (VCV003573236.2).